The following is an entry in ClinVar:

ClinVar aggregate classification (germline): Likely pathogenic (1 of 4 stars; one submission).

Conditions:
Joubert syndrome 21 (JBTS21). Identifiers: MedGen C3810212, MONDO:0014288, OMIM 615636.

Allele frequency attached by ClinVar (database versions not stated): gnomAD 0.00001.
gnomAD v4.1: 1 of 1,577,182 alleles (0.000063%); highest among the groups gnomAD compares: Non-Finnish European, 0.000087%; no homozygotes.

Submission:

Labcorp Genetics (formerly Invitae), Labcorp
Classification: Likely pathogenic for Joubert syndrome 21. Last evaluated: 2023-08-24. Review status: criteria provided, single submitter. Criteria: Invitae Variant Classification Sherloc (09022015). Collection method: clinical testing. Allele origin: germline.
Comment: This sequence change affects a donor splice site in intron 5 of the CSPP1 gene. It is expected to disrupt RNA splicing. Variants that disrupt the donor or acceptor splice site typically lead to a loss of protein function (PMID: 16199547), and loss-of-function variants in CSPP1 are known to be pathogenic (PMID: 24360807, 24360808). This variant is not present in population databases (gnomAD no frequency). This variant has not been reported in the literature in individuals affected with CSPP1-related conditions. Algorithms developed to predict the effect of sequence changes on RNA splicing suggest that this variant may disrupt the consensus splice site. In summary, the currently available evidence indicates that the variant is pathogenic, but additional data are needed to prove that conclusively. Therefore, this variant has been classified as Likely Pathogenic.

Literature cited by the submitters: PubMed 16199547; PubMed 24360807; PubMed 24360808.

NM_001382391.1(CSPP1):c.483+2T>A

Gene: CSPP1 (centrosome and spindle pole associated protein 1; plus strand). Cytogenetic location: 8q13.1.
Variant type: single nucleotide variant.
Coding change: c.483+2T>A on transcript NM_001382391.1 (MANE Select); the canonical splice donor site of the intron after coding-DNA position 483, T replaced by A.
Molecular consequence: splice donor variant.
Genome position (GRCh38, 1-based): chr8:67,093,643, T>A. VCF-style: chr8-67093643-T-A. GRCh37 (hg19) VCF-style: chr8-68005878-T-A.
Other names: c.483+2T>A (NM_001363132.2); c.402+2T>A (NM_001363131.2, NM_001363133.2); c.591+2T>A (NM_001364869.1); c.510+2T>A (NM_024790.7, NM_001438331.1, NM_001438330.1 and 2 more transcripts); c.-373+2T>A (NM_001291339.2).
Identifiers: ClinVar variation 2818816 (VCV002818816.3), dbSNP rs1161610345, ClinGen allele CA371189541.